The following is an entry in ClinVar:

NC_000022.10:g.(?_29083879)_(29130715_?)dup

Gene: CHEK2 (checkpoint kinase 2; minus strand). Cytogenetic location: 22q12.1.
Variant type: Duplication.
Identifiers: ClinVar variation 460669 (VCV000460669.2).

ClinVar aggregate classification (germline): Uncertain significance (1 of 4 stars; one submission).

Conditions:
Familial cancer of breast. Also called: BREAST CANCER, FAMILIAL; hereditary breast carcinoma; Hereditary breast cancer. Identifiers: Orphanet 227535, MedGen C0346153, MONDO:0016419, OMIM 114480. Disease mechanism: loss of function.

Submission:

Labcorp Genetics (formerly Invitae), Labcorp
Classification: Uncertain significance for Familial cancer of breast. Last evaluated: 2017-11-02. Review status: criteria provided, single submitter. Criteria: Invitae Variant Classification Sherloc (09022015). Collection method: clinical testing. Allele origin: germline.
Comment: A gross duplication of the genomic region encompassing the full coding sequence of the CHEK2 gene has been identified. The boundaries of this event are unknown as the duplication extends beyond the assayed region for this gene and therefore may encompass additional genes. As the precise location of this duplication is unknown, it may be in tandem or it may be located elsewhere in the genome. This variant has not been reported in the literature in individuals with a CHEK2-related disease. Experimental studies and prediction algorithms are not available for this variant, and the functional significance of this duplication is currently unknown. In summary, the exact genomic location of this variant is unknown and the impact of this duplication on CHEK2 protein function has not been established. Therefore, it has been classified as a Variant of Uncertain Significance.